The following is an entry in ClinVar:

NM_024996.7(GFM1):c.1799C>G (p.Ser600Cys)

Gene: GFM1 (G elongation factor mitochondrial 1; plus strand). Cytogenetic location: 3q25.32.
Variant type: single nucleotide variant.
Coding change: c.1799C>G on transcript NM_024996.7 (MANE Select); coding-DNA position 1799, C replaced by G.
Protein change: p.Ser600Cys; replaces serine 600 with cysteine.
Molecular consequence: missense variant. On other transcripts: non-coding transcript variant (2).
Genome position (GRCh38, 1-based): chr3:158,684,558, C>G. VCF-style: chr3-158684558-C-G. GRCh37 (hg19) VCF-style: chr3-158402347-C-G.
Other names: c.1856C>G, p.Ser619Cys (NM_001308164.2); c.1718C>G, p.Ser573Cys (NM_001374355.1); c.1682C>G, p.Ser561Cys (NM_001374356.1); c.1574C>G, p.Ser525Cys (NM_001374357.1); c.1340C>G, p.Ser447Cys (NM_001374358.1); c.1232C>G, p.Ser411Cys (NM_001374359.1, NM_001374360.1); c.1115C>G, p.Ser372Cys (NM_001374361.1); short protein forms S372C, S411C, S447C, S525C, S561C, S573C, S600C, S619C.
Identifiers: ClinVar variation 3899751 (VCV003899751.1).

ClinVar aggregate classification (germline): Uncertain significance (1 of 4 stars; one submission).

gnomAD v4.1: 9 of 1,613,990 alleles (0.00056%); highest among the groups gnomAD compares: Admixed American, 0.005%; no homozygotes.

Submission:

GeneDx
Classification: Uncertain significance. Last evaluated: 2024-11-19. Review status: criteria provided, single submitter. Criteria: GeneDx Variant Classification Process June 2021. Collection method: clinical testing. Allele origin: germline. Affected: yes.
Comment: Not observed at significant frequency in large population cohorts (gnomAD); In silico analysis indicates that this missense variant does not alter protein structure/function; Has not been previously published as pathogenic or benign to our knowledge